The following is an entry in ClinVar:

NM_000038.6(APC):c.6223G>T (p.Asp2075Tyr)

Gene: APC (APC regulator of Wnt signaling pathway; plus strand). Cytogenetic location: 5q22.2.
Variant type: single nucleotide variant.
Coding change: c.6223G>T on transcript NM_000038.6 (MANE Select); coding-DNA position 6223, G replaced by T.
Protein change: p.Asp2075Tyr; replaces aspartic acid 2075 with tyrosine.
Molecular consequence: missense variant.
Genome position (GRCh38, 1-based): chr5:112,841,817, G>T. VCF-style: chr5-112841817-G-T. GRCh37 (hg19) VCF-style: chr5-112177514-G-T.
Other names: c.6223G>T, p.Asp2075Tyr (NM_001127510.3, NM_001354895.2); c.6169G>T, p.Asp2057Tyr (NM_001127511.3); c.6277G>T, p.Asp2093Tyr (NM_001354896.2); c.6253G>T, p.Asp2085Tyr (NM_001354897.2); c.6148G>T, p.Asp2050Tyr (NM_001354898.2); c.6139G>T, p.Asp2047Tyr (NM_001354899.2); c.6100G>T, p.Asp2034Tyr (NM_001354900.2); c.6046G>T, p.Asp2016Tyr (NM_001354901.2); and 5 more; short protein forms D2057Y, D2075Y, D2050Y, D1915Y, D2016Y, D2047Y, D1792Y, D1949Y.
Identifiers: ClinVar variation 421808 (VCV000421808.18), dbSNP rs754004343, ClinGen allele CA044118.

ClinVar aggregate classification (germline): Uncertain significance. Review status: criteria provided, multiple submitters, no conflicts (2 of 4 stars). 4 submissions from 4 submitters: Uncertain significance (4). Last evaluated 2022-09-27.

Conditions:
Hereditary cancer-predisposing syndrome. Also called: Hereditary neoplastic syndrome; Neoplastic Syndromes, Hereditary; Tumor predisposition; Hereditary Cancer Syndrome. Identifiers: Orphanet 140162, MedGen C0027672, MeSH D009386, MONDO:0015356.
Familial adenomatous polyposis 1 (FAP1). Also called: FAMILIAL ADENOMATOUS POLYPOSIS 1, ATTENUATED; POLYPOSIS, ADENOMATOUS INTESTINAL. Identifiers: MedGen C2713442, MONDO:0021056, OMIM 175100. Disease mechanism: loss of function.

Allele frequency attached by ClinVar (database versions not stated): gnomAD exomes below 0.00001; ExAC 0.00001.
gnomAD v4.1: 1 of 1,614,012 alleles (0.000062%); highest among the groups gnomAD compares: Non-Finnish European, 0.000085%; no homozygotes.

Submissions (4):

Ambry Genetics
Classification: Uncertain significance for Hereditary cancer-predisposing syndrome. Last evaluated: 2022-09-27. Review status: criteria provided, single submitter. Criteria: Ambry Variant Classification Scheme 2023. Collection method: clinical testing. Allele origin: germline.
Comment: The p.D2075Y variant (also known as c.6223G>T), located in coding exon 15 of the APC gene, results from a G to T substitution at nucleotide position 6223. The aspartic acid at codon 2075 is replaced by tyrosine, an amino acid with highly dissimilar properties. This amino acid position is conserved. In addition, in silico predictors for this gene do not accurately predict pathogenicity. Since supporting evidence is limited at this time, the clinical significance of this alteration remains unclear.

Labcorp Genetics (formerly Invitae), Labcorp
Classification: Uncertain significance for Familial adenomatous polyposis 1. Last evaluated: 2022-05-19. Review status: criteria provided, single submitter. Criteria: Invitae Variant Classification Sherloc (09022015). Collection method: clinical testing. Allele origin: germline.
Comment: In summary, the available evidence is currently insufficient to determine the role of this variant in disease. Therefore, it has been classified as a Variant of Uncertain Significance. Algorithms developed to predict the effect of missense changes on protein structure and function are either unavailable or do not agree on the potential impact of this missense change (SIFT: "Deleterious"; PolyPhen-2: "Probably Damaging"; Align-GVGD: "Class C15"). ClinVar contains an entry for this variant (Variation ID: 421808). This sequence change replaces aspartic acid, which is acidic and polar, with tyrosine, which is neutral and polar, at codon 2075 of the APC protein (p.Asp2075Tyr). The frequency data for this variant in the population databases is considered unreliable, as metrics indicate poor data quality at this position in the gnomAD database. This variant has not been reported in the literature in individuals affected with APC-related conditions.

Color Diagnostics, LLC DBA Color Health
Classification: Uncertain significance for Hereditary cancer-predisposing syndrome. Last evaluated: 2019-02-09. Review status: criteria provided, single submitter. Criteria: ACMG Guidelines, 2015. Collection method: clinical testing. Allele origin: germline.

GeneDx
Classification: Uncertain significance. Last evaluated: 2016-07-27. Review status: criteria provided, single submitter. Criteria: GeneDx Variant Classification (06012015). Collection method: clinical testing. Allele origin: germline. Affected: yes.
Comment: This variant is denoted APC c.6223G>T at the cDNA level, p.Asp2075Tyr (D2075Y) at the protein level, and results in the change of an Aspartic Acid to a Tyrosine (GAT>TAT). This variant has not, to our knowledge, been published in the literature as pathogenic or benign. APC Asp2075Tyr was not observed in approximately 6,500 individuals of European and African American ancestry in the NHLBI Exome Sequencing Project, suggesting it is not a common benign variant in these populations. Since Aspartic Acid and Tyrosine differ in polarity, charge, size or other properties, this is considered a non-conservative amino acid substitution. APC Asp2075Tyr occurs at a position that is not conserved and is not located in a known functional domain (Azzopardi 2008). In silico analyses are inconsistent regarding the effect this variant may have on protein structure and function. Based on currently available evidence, it is unclear whether APC Asp2075Tyr is a pathogenic or benign variant. We consider it to be a variant of uncertain significance.